The following is an entry in ClinVar:

ClinVar aggregate classification (germline): Uncertain significance (1 of 4 stars; one submission).

Conditions:
Arrhythmogenic cardiomyopathy with wooly hair and keratoderma. Also called: Arrhythmogenic cardiomyopathy with woolly hair and keratoderma; PALMOPLANTAR KERATODERMA WITH LEFT VENTRICULAR CARDIOMYOPATHY AND WOOLLY HAIR; Carvajal syndrome; Dilated cardiomyopathy with woolly hair and keratoderma. Identifiers: Orphanet 65282, MedGen C1854063, MONDO:0011581, OMIM 605676.
Arrhythmogenic right ventricular dysplasia 8 (ARVD8). Also called: Arrhythmogenic Right Ventricular Dysplasia/Cardiomyopathy 8; ARRHYTHMOGENIC RIGHT VENTRICULAR DYSPLASIA, FAMILIAL, 8; ARRHYTHMOGENIC RIGHT VENTRICULAR CARDIOMYOPATHY 8. Identifiers: MedGen C1843896, MONDO:0011831, OMIM 607450.

Allele frequency attached by ClinVar (database versions not stated): gnomAD exomes below 0.00001; ExAC 0.00001.
gnomAD v4.1: 2 of 1,614,208 alleles (0.00012%); highest among the groups gnomAD compares: Non-Finnish European, 0.00017%; no homozygotes.

Submission:

Labcorp Genetics (formerly Invitae), Labcorp
Classification: Uncertain significance for Arrhythmogenic cardiomyopathy with wooly hair and keratoderma; Arrhythmogenic right ventricular dysplasia 8. Last evaluated: 2022-12-14. Review status: criteria provided, single submitter. Criteria: Invitae Variant Classification Sherloc (09022015). Collection method: clinical testing. Allele origin: germline.
Comment: Algorithms developed to predict the effect of missense changes on protein structure and function output the following: SIFT: "Tolerated"; PolyPhen-2: "Benign"; Align-GVGD: "Class C0". The alanine amino acid residue is found in multiple mammalian species, which suggests that this missense change does not adversely affect protein function. In summary, the available evidence is currently insufficient to determine the role of this variant in disease. Therefore, it has been classified as a Variant of Uncertain Significance. This variant has not been reported in the literature in individuals affected with DSP-related conditions. This variant is present in population databases (rs767197002, gnomAD 0.0009%). This sequence change replaces threonine, which is neutral and polar, with alanine, which is neutral and non-polar, at codon 666 of the DSP protein (p.Thr666Ala).

NM_004415.4(DSP):c.1996A>G (p.Thr666Ala)

Gene: DSP (desmoplakin; plus strand). Cytogenetic location: 6p24.3.
Variant type: single nucleotide variant.
Coding change: c.1996A>G on transcript NM_004415.4 (MANE Select); coding-DNA position 1996, A replaced by G.
Protein change: p.Thr666Ala; replaces threonine 666 with alanine.
Molecular consequence: missense variant.
Genome position (GRCh38, 1-based): chr6:7,571,934, A>G. VCF-style: chr6-7571934-A-G. GRCh37 (hg19) VCF-style: chr6-7572167-A-G.
Other names: c.1996A>G, p.Thr666Ala (NM_001008844.3, NM_001319034.2); short protein forms T666A.
Identifiers: ClinVar variation 2934596 (VCV002934596.3), dbSNP rs767197002, ClinGen allele CA031124.